The following is an entry in ClinVar:

ClinVar aggregate classification (germline): Uncertain significance (1 of 4 stars; one submission).

Submission:

CeGaT Center for Human Genetics Tuebingen
Classification: Uncertain significance. Last evaluated: 2026-09-01. Review status: criteria provided, single submitter. Criteria: CeGaT Center For Human Genetics Tuebingen Variant Classification Criteria Version 2. Collection method: clinical testing. Allele origin: germline. Affected: yes. Observed: 1 variant allele.
Comment: VPS16: PM2, PM3:Supporting

NM_022575.4(VPS16):c.247A>G (p.Ser83Gly)

Gene: VPS16 (VPS16 core subunit of CORVET and HOPS complexes; plus strand). Cytogenetic location: 20p13.
Variant type: single nucleotide variant.
Coding change: c.247A>G on transcript NM_022575.4 (MANE Select); coding-DNA position 247, A replaced by G.
Protein change: p.Ser83Gly; replaces serine 83 with glycine.
Molecular consequence: missense variant.
Genome position (GRCh38, 1-based): chr20:2,860,245, A>G. VCF-style: chr20-2860245-A-G. GRCh37 (hg19) VCF-style: chr20-2840891-A-G.
Other names: c.247A>G, p.Ser83Gly (NM_080413.3); short protein forms S83G.
Identifiers: ClinVar variation 5041640 (VCV005041640.1).
Genomic context (GRCh38, chr20:2,860,245, plus strand): 5'-CTGGACAGGGTTTCCTCACCTGAGGACAGCCTTAGGAACCTCTCTCCCCTGCAGTGGAAG[A>G]GTGGACCCGTGGTGTCCCTGGGCTGGTCAGCTGAGGAGGAGCTGCTCTGTGTGCAGGAAG-3'
Protein context (NP_072097.2, residues 73-93): GMPLASLLWK[Ser83Gly]GPVVSLGWSA